The following is an entry in ClinVar:

ClinVar aggregate classification (germline): Uncertain significance (1 of 4 stars; one submission).

Conditions:
Xeroderma pigmentosum, group F (XPF). Also called: XERODERMA PIGMENTOSUM, TYPE F; Xeroderma pigmentosum, type 6; XERODERMA PIGMENTOSUM VI; XP, GROUP F; XERODERMA PIGMENTOSUM, COMPLEMENTATION GROUP F; ERCC4-Related Xeroderma Pigmentosum. Identifiers: MedGen C0268140, MONDO:0010215, OMIM 278760.
Cockayne syndrome. Identifiers: Orphanet 191, MedGen C0009207, MONDO:0016006.
Fanconi anemia complementation group Q. Identifiers: Orphanet 84, MedGen C3808988, MONDO:0014108, OMIM 615272.

Submission:

Labcorp Genetics (formerly Invitae), Labcorp
Classification: Uncertain significance for Fanconi anemia complementation group Q; Xeroderma pigmentosum, group F; Cockayne syndrome. Last evaluated: 2022-10-13. Review status: criteria provided, single submitter. Criteria: Invitae Variant Classification Sherloc (09022015). Collection method: clinical testing. Allele origin: germline.
Comment: Advanced modeling of protein sequence and biophysical properties (such as structural, functional, and spatial information, amino acid conservation, physicochemical variation, residue mobility, and thermodynamic stability) performed at Invitae indicates that this missense variant is not expected to disrupt ERCC4 protein function. This sequence change replaces methionine, which is neutral and non-polar, with valine, which is neutral and non-polar, at codon 451 of the ERCC4 protein (p.Met451Val). This variant is not present in population databases (gnomAD no frequency). This variant has not been reported in the literature in individuals affected with ERCC4-related conditions. In summary, the available evidence is currently insufficient to determine the role of this variant in disease. Therefore, it has been classified as a Variant of Uncertain Significance.

NM_005236.3(ERCC4):c.1351A>G (p.Met451Val)

Gene: ERCC4 (ERCC excision repair 4, endonuclease catalytic subunit; plus strand). Cytogenetic location: 16p13.12.
Variant type: single nucleotide variant.
Coding change: c.1351A>G on transcript NM_005236.3 (MANE Select); coding-DNA position 1351, A replaced by G.
Protein change: p.Met451Val; replaces methionine 451 with valine.
Molecular consequence: missense variant.
Genome position (GRCh38, 1-based): chr16:13,935,283, A>G. VCF-style: chr16-13935283-A-G. GRCh37 (hg19) VCF-style: chr16-14029140-A-G.
Other names: short protein forms M451V.
Identifiers: ClinVar variation 2161163 (VCV002161163.4), dbSNP rs2543180355, ClinGen allele CA394809856.